The following is an entry in ClinVar:

ClinVar aggregate classification (germline): Uncertain significance. Review status: criteria provided, multiple submitters, no conflicts (2 of 4 stars). 3 submissions from 3 submitters: Uncertain significance (3). Last evaluated 2026-01-26.

Conditions:
Bardet-Biedl syndrome 15 (BBS15). Identifiers: Orphanet 110, MedGen C3150127, MONDO:0014443, OMIM 615992.
Heart defect - tongue hamartoma - polysyndactyly syndrome. Also called: Congenital heart defects, hamartomas of tongue, and polysyndactyly. Identifiers: Orphanet 1338, MedGen C1857587, MONDO:0009008, OMIM 217085.
WDPCP-related disorder. Also called: WDPCP-related condition.
Bardet-Biedl syndrome (BBS). Identifiers: Orphanet 110, MedGen C0752166, MONDO:0015229.

Allele frequency attached by ClinVar (database versions not stated): gnomAD exomes 0.00002 and 0.00004; gnomAD 0.00004 and 0.00005; TOPMed 0.00005; ExAC 0.00009; ESP Exome Variant Server 0.00009; 1000 Genomes Project 0.00060; 1000 Genomes Project 30x 0.00062.
gnomAD v4.1: 38 of 1,573,354 alleles (0.0024%); highest among the groups gnomAD compares: African/African-American, 0.027%; 1 homozygote.

Submissions (3):

PreventionGenetics, part of Exact Sciences
Classification: Uncertain significance for WDPCP-related condition. Last evaluated: 2026-01-26. Review status: criteria provided, single submitter. Criteria: ACMG Guidelines, 2015. Collection method: clinical testing. Allele origin: germline.
Comment: The WDPCP c.209C>T variant is predicted to result in the amino acid substitution p.Ala70Val. To our knowledge, this variant has not been reported in the literature. This variant is reported in 0.035% of alleles in individuals of African descent in gnomAD. At this time, the clinical significance of this variant is uncertain due to the absence of conclusive functional and genetic evidence.

Labcorp Genetics (formerly Invitae), Labcorp
Classification: Uncertain significance for Bardet-Biedl syndrome. Last evaluated: 2022-08-22. Review status: criteria provided, single submitter. Criteria: Invitae Variant Classification Sherloc (09022015). Collection method: clinical testing. Allele origin: germline.
Comment: In summary, the available evidence is currently insufficient to determine the role of this variant in disease. Therefore, it has been classified as a Variant of Uncertain Significance. Algorithms developed to predict the effect of missense changes on protein structure and function output the following: SIFT: "Tolerated"; PolyPhen-2: "Benign"; Align-GVGD: "Class C0". The valine amino acid residue is found in multiple mammalian species, which suggests that this missense change does not adversely affect protein function. ClinVar contains an entry for this variant (Variation ID: 1056364). This variant has not been reported in the literature in individuals affected with WDPCP-related conditions. The frequency data for this variant in the population databases is considered unreliable, as metrics indicate poor data quality at this position in the gnomAD database. This sequence change replaces alanine, which is neutral and non-polar, with valine, which is neutral and non-polar, at codon 70 of the WDPCP protein (p.Ala70Val).

Fulgent Genetics
Classification: Uncertain significance for Heart defect - tongue hamartoma - polysyndactyly syndrome; Bardet-Biedl syndrome 15. Last evaluated: 2022-03-17. Review status: criteria provided, single submitter. Criteria: ACMG Guidelines, 2015. Collection method: clinical testing. Allele origin: unknown.

NM_015910.7(WDPCP):c.209C>T (p.Ala70Val)

Gene: WDPCP (WD repeat containing planar cell polarity effector; minus strand). Cytogenetic location: 2p15.
Variant type: single nucleotide variant.
Coding change: c.209C>T on transcript NM_015910.7 (MANE Select); coding-DNA position 209, C replaced by T.
Protein change: p.Ala70Val; replaces alanine 70 with valine.
Molecular consequence: missense variant. On other transcripts: non-coding transcript variant (2).
Genome position (GRCh38, 1-based): chr2:63,486,586, G>A on the plus strand (C>T on the coding strand, the complement: WDPCP is on the minus strand). VCF-style: chr2-63486586-G-A. GRCh37 (hg19) VCF-style: chr2-63713720-G-A.
Other names: c.209C>T, p.Ala70Val (NM_001354045.2); c.137C>T, p.Ala46Val (NM_001354044.2); c.209C>T (NM_015910.5); short protein forms A46V, A70V.
Identifiers: ClinVar variation 1056364 (VCV001056364.10), dbSNP rs141761524, ClinGen allele CA1682563.